The following is an entry in ClinVar:

NM_019851.3(FGF20):c.464T>G (p.Ile155Arg)

Gene: FGF20 (fibroblast growth factor 20; minus strand). Cytogenetic location: 8p22.
Variant type: single nucleotide variant.
Coding change: c.464T>G on transcript NM_019851.3 (MANE Select); coding-DNA position 464, T replaced by G.
Protein change: p.Ile155Arg; replaces isoleucine 155 with arginine.
Molecular consequence: missense variant.
Genome position (GRCh38, 1-based): chr8:16,993,244, A>C on the plus strand (T>G on the coding strand, the complement: FGF20 is on the minus strand). VCF-style: chr8-16993244-A-C. GRCh37 (hg19) VCF-style: chr8-16850753-A-C.
Other names: short protein forms I155R.
Identifiers: ClinVar variation 4798935 (VCV004798935.1).
Genomic context (GRCh38, chr8:16,993,244, plus strand): 5'-GGAGTTCCGTCTTTGTTAAGTGCCACAAAATACCTGCGGCCAGTGTCTCCATGTTTATAT[A>C]TGTTAGATGAATAGGTGTTATACCAGTTCTCTTCAAACTGCTCCCTAAAGATGCATTCGG-3'
Protein context (NP_062825.1, residues 145-165): ENWYNTYSSN[Ile155Arg]YKHGDTGRRY

ClinVar aggregate classification (germline): Uncertain significance (1 of 4 stars; one submission).

gnomAD v4.1: 6 of 1,614,014 alleles (0.00037%); highest among the groups gnomAD compares: African/African-American, 0.008%; no homozygotes.

Submission:

Labcorp Genetics (formerly Invitae), Labcorp
Classification: Uncertain significance. Last evaluated: 2025-06-12. Review status: criteria provided, single submitter. Criteria: Invitae Variant Classification Sherloc (09022015). Collection method: clinical testing. Allele origin: germline.
Comment: This sequence change replaces isoleucine, which is neutral and non-polar, with arginine, which is basic and polar, at codon 155 of the FGF20 protein (p.Ile155Arg). This variant is present in population databases (rs768990128, gnomAD 0.02%). This variant has not been reported in the literature in individuals affected with FGF20-related conditions. An algorithm developed to predict the effect of missense changes on protein structure and function (PolyPhen-2) suggests that this variant is likely to be tolerated. In summary, the available evidence is currently insufficient to determine the role of this variant in disease. Therefore, it has been classified as a Variant of Uncertain Significance.